The following is an entry in ClinVar:

NM_002292.4(LAMB2):c.310C>T (p.His104Tyr)

Gene: LAMB2 (laminin subunit beta 2; minus strand). Cytogenetic location: 3p21.31.
Variant type: single nucleotide variant.
Coding change: c.310C>T on transcript NM_002292.4 (MANE Select); coding-DNA position 310, C replaced by T.
Protein change: p.His104Tyr; replaces histidine 104 with tyrosine.
Molecular consequence: missense variant.
Genome position (GRCh38, 1-based): chr3:49,132,345, G>A on the plus strand (C>T on the coding strand, the complement: LAMB2 is on the minus strand). VCF-style: chr3-49132345-G-A. GRCh37 (hg19) VCF-style: chr3-49169778-G-A.
Other names: short protein forms H104Y.
Identifiers: ClinVar variation 903073 (VCV000903073.12), dbSNP rs552475229, ClinGen allele CA2394965.

ClinVar aggregate classification (germline): Likely benign. Review status: criteria provided, multiple submitters, no conflicts (2 of 4 stars). 4 submissions from 3 submitters: Likely benign (4). Last evaluated 2026-07-07.

Conditions:
LAMB2-related infantile-onset nephrotic syndrome. Also called: NEPHROTIC SYNDROME, TYPE 5, WITHOUT OCULAR ABNORMALITIES; NEPHROTIC SYNDROME, TYPE 5, WITH OCULAR ABNORMALITIES; Nephrotic Syndrome, type 5. Identifiers: Orphanet 306507, MedGen C3280113, MONDO:0013621, OMIM 614199.
Pierson syndrome. Also called: MICROCORIA-CONGENITAL NEPHROTIC SYNDROME. Identifiers: Orphanet 2670, MedGen C1836876, MONDO:0012184, OMIM 609049.
LAMB2-related disorder. Also called: LAMB2-related condition.

Allele frequency attached by ClinVar (database versions not stated): gnomAD below 0.00001 and 0.00009; gnomAD exomes 0.00022 and 0.00050; ExAC 0.00058; 1000 Genomes Project 30x 0.00094; 1000 Genomes Project 0.00100.
gnomAD v4.1: 338 of 1,614,260 alleles (0.021%); highest among the groups gnomAD compares: South Asian, 0.35%; 3 homozygotes.

Submissions (4):

PreventionGenetics, part of Exact Sciences
Classification: Likely benign for LAMB2-related condition. Last evaluated: 2026-07-07. Review status: criteria provided, single submitter. Criteria: ACMG Guidelines, 2015. Collection method: clinical testing. Allele origin: germline.
Comment: This variant is classified as likely benign based on ACMG/AMP sequence variant interpretation guidelines (Richards et al. 2015 PMID: 25741868, with internal and published modifications).

Labcorp Genetics (formerly Invitae), Labcorp
Classification: Likely benign for LAMB2-related infantile-onset nephrotic syndrome; Pierson syndrome. Last evaluated: 2024-03-27. Review status: criteria provided, single submitter. Criteria: Invitae Variant Classification Sherloc (09022015). Collection method: clinical testing. Allele origin: germline.

Illumina Laboratory Services, Illumina
Classification: Likely benign for LAMB2-related infantile-onset nephrotic syndrome. Last evaluated: 2018-01-12. Review status: criteria provided, single submitter. Criteria: ICSL Variant Classification Criteria 13 December 2019. Collection method: clinical testing. Allele origin: germline.
Comment: This variant was observed in the ICSL laboratory as part of a predisposition screen in an ostensibly healthy population. It had not been previously curated by ICSL or reported in the Human Gene Mutation Database (HGMD: prior to June 1st, 2018), and was therefore a candidate for classification through an automated scoring system. Utilizing variant allele frequency, disease prevalence and penetrance estimates, and inheritance mode, an automated score was calculated to assess if this variant is too frequent to cause the disease. Based on the score and internal cut-off values, a variant classified as likely benign is not then subjected to further curation. The score for this variant resulted in a classification of likely benign for this disease.

Illumina Laboratory Services, Illumina
Classification: Likely benign for Pierson syndrome. Last evaluated: 2018-01-12. Review status: criteria provided, single submitter. Criteria: ICSL Variant Classification Criteria 13 December 2019. Collection method: clinical testing. Allele origin: germline.
Comment: the same text as in the submission from Illumina Laboratory Services, Illumina above.